The following is an entry in ClinVar:

NM_001142800.2(EYS):c.445dup (p.Ile149fs)

Gene: EYS (EGF-like photoreceptor maintenance factor; minus strand). Cytogenetic location: 6q12.
Variant type: Duplication.
Coding change: c.445dup on transcript NM_001142800.2 (MANE Select); coding-DNA position 445, one base duplicated (A; older notation c.445dupA).
Protein change: p.Ile149fs; shifts the reading frame from isoleucine 149.
Molecular consequence: frameshift variant.
Genome position (GRCh38, 1-based): chr6:65,494,966, T duplicated on the plus strand (A on the coding strand, the reverse complement: EYS is on the minus strand). VCF-style (leftmost placement, unchanged base first): chr6-65494965-A-AT. GRCh37 (hg19) VCF-style: chr6-66204858-A-AT.
Other names: c.445dup, p.Ile149fs (NM_001142801.2, NM_001292009.2, NM_198283.2); short protein forms I149fs.
Identifiers: ClinVar variation 2897771 (VCV002897771.3), dbSNP rs2533028755, ClinGen allele CA2739273187.

ClinVar aggregate classification (germline): Pathogenic (1 of 4 stars; one submission).

Submission:

Labcorp Genetics (formerly Invitae), Labcorp
Classification: Pathogenic. Last evaluated: 2023-04-11. Review status: criteria provided, single submitter. Criteria: Invitae Variant Classification Sherloc (09022015). Collection method: clinical testing. Allele origin: germline.
Comment: For these reasons, this variant has been classified as Pathogenic. This variant has not been reported in the literature in individuals affected with EYS-related conditions. This variant is not present in population databases (gnomAD no frequency). This sequence change creates a premature translational stop signal (p.Ile149Asnfs*40) in the EYS gene. It is expected to result in an absent or disrupted protein product. Loss-of-function variants in EYS are known to be pathogenic (PMID: 18836446, 20333770).

Literature cited by the submitters: PubMed 18836446; PubMed 20333770.